The following is an entry in ClinVar:

ClinVar aggregate classification (germline): Likely benign (1 of 4 stars; one submission).

Allele frequency attached by ClinVar (database versions not stated): gnomAD exomes below 0.00001.
gnomAD v4.1: 1 of 1,614,208 alleles (0.000062%); highest among the groups gnomAD compares: Non-Finnish European, 0.000085%; no homozygotes.

Submission:

CeGaT Center for Human Genetics Tuebingen
Classification: Likely benign. Last evaluated: 2023-01-01. Review status: criteria provided, single submitter. Criteria: CeGaT Center For Human Genetics Tuebingen Variant Classification Criteria Version 2. Collection method: clinical testing. Allele origin: germline. Affected: yes. Observed: 1 variant allele.
Comment: ZFYVE26: BP4, BP7

NM_015346.4(ZFYVE26):c.984G>A (p.Leu328=)

Gene: ZFYVE26 (zinc finger FYVE-type containing 26; minus strand). Cytogenetic location: 14q24.1.
Variant type: single nucleotide variant.
Coding change: c.984G>A on transcript NM_015346.4 (MANE Select); coding-DNA position 984, G replaced by A.
Protein change: p.Leu328=; no amino-acid change (leucine 328 retained).
Molecular consequence: synonymous variant.
Genome position (GRCh38, 1-based): chr14:67,806,578, C>T on the plus strand (G>A on the coding strand, the complement: ZFYVE26 is on the minus strand). VCF-style: chr14-67806578-C-T. GRCh37 (hg19) VCF-style: chr14-68273295-C-T.
Identifiers: ClinVar variation 2644339 (VCV002644339.24), dbSNP rs2140250979, ClinGen allele CA486756100.